The following is an entry in ClinVar:

NM_030777.4(SLC2A10):c.1178C>G (p.Ser393Cys)

Gene: SLC2A10 (solute carrier family 2 member 10; plus strand). Cytogenetic location: 20q13.12.
Variant type: single nucleotide variant.
Coding change: c.1178C>G on transcript NM_030777.4 (MANE Select); coding-DNA position 1178, C replaced by G.
Protein change: p.Ser393Cys; replaces serine 393 with cysteine.
Molecular consequence: missense variant.
Genome position (GRCh38, 1-based): chr20:46,726,214, C>G. VCF-style: chr20-46726214-C-G. GRCh37 (hg19) VCF-style: chr20-45354853-C-G.
Other names: short protein forms S393C.
Identifiers: ClinVar variation 4528255 (VCV004528255.1).

ClinVar aggregate classification (germline): Uncertain significance (1 of 4 stars; one submission).

gnomAD v4.1: 9 of 1,614,090 alleles (0.00056%); highest among the groups gnomAD compares: Non-Finnish European, 0.00017%; no homozygotes.

Submission:

GeneDx
Classification: Uncertain significance. Last evaluated: 2025-04-30. Review status: criteria provided, single submitter. Criteria: GeneDx Variant Classification Process June 2021. Collection method: clinical testing. Allele origin: germline. Affected: yes.
Comment: In silico analysis indicates that this missense variant does not alter protein structure/function; Has not been previously published as pathogenic or benign to our knowledge